The following is an entry in ClinVar:

NM_174936.4(PCSK9):c.27C>G (p.Ser9=)

Gene: PCSK9 (proprotein convertase subtilisin/kexin type 9; plus strand). Cytogenetic location: 1p32.3.
Variant type: single nucleotide variant.
Coding change: c.27C>G on transcript NM_174936.4 (MANE Select); coding-DNA position 27, C replaced by G.
Protein change: p.Ser9=; no amino-acid change (serine 9 retained).
Molecular consequence: synonymous variant.
Genome position (GRCh38, 1-based): chr1:55,039,864, C>G. VCF-style: chr1-55039864-C-G. GRCh37 (hg19) VCF-style: chr1-55505537-C-G.
Identifiers: ClinVar variation 696661 (VCV000696661.17), dbSNP rs562480265, ClinGen allele CA417957248.

ClinVar aggregate classification (germline): Likely benign. Review status: criteria provided, multiple submitters, no conflicts (2 of 4 stars). 6 submissions from 6 submitters: Likely benign (6). Last evaluated 2026-07-04.

Conditions:
Cardiovascular phenotype. Identifiers: MedGen CN230736.
Familial hypercholesterolemia. Also called: Familial hypercholesterolemias; Familial hypercholesterolaemia. Identifiers: MedGen C0020445, MONDO:0005439.
Hypercholesterolemia, autosomal dominant, 3 (FHCL3). Also called: Familial Hypercholesterolemia, Autosomal Dominant, 3; Familial hypercholesterolemia 3; PCSK9-Related Familial Hypercholesterolemia, Autosomal Dominant. Identifiers: MedGen C1863551, MONDO:0011369, OMIM 603776.

Allele frequency attached by ClinVar (database versions not stated): TOPMed 0.00001.

Submissions (6):

Ambry Genetics
Classification: Likely benign for Cardiovascular phenotype. Last evaluated: 2026-07-04. Review status: criteria provided, single submitter. Criteria: Ambry Variant Classification Scheme 2023. Collection method: clinical testing. Allele origin: germline.

Molecular Diagnostic Laboratory for Inherited Cardiovascular Disease, Montreal Heart Institute
Classification: Likely benign. Last evaluated: 2025-04-09. Review status: criteria provided, single submitter. Criteria: ACMG Guidelines, 2015. Collection method: clinical testing. Allele origin: germline. Affected: no.

Blueprint Genetics
Classification: Likely benign. Last evaluated: 2024-03-27. Review status: criteria provided, single submitter. Criteria: ACMG Guidelines, 2015. Collection method: clinical testing. Allele origin: germline.

All of Us Research Program, National Institutes of Health
Classification: Likely benign for Hypercholesterolemia, autosomal dominant, 3. Last evaluated: 2023-08-15. Review status: criteria provided, single submitter. Criteria: ACMG Guidelines, 2015. Collection method: clinical testing. Allele origin: germline. Inheritance: Autosomal dominant inheritance. Observed: 3 variant alleles, 3 heterozygotes.
Comment: This study involves interpretation of variants in research participants for the purpose of population health screening. Participant phenotype was not available at the time of variant classification. Additional details can be found in publication PMID: 35346344, PMCID: PMC8962531

Labcorp Genetics (formerly Invitae), Labcorp
Classification: Likely benign for Hypercholesterolemia, autosomal dominant, 3. Last evaluated: 2020-12-11. Review status: criteria provided, single submitter. Criteria: Invitae Variant Classification Sherloc (09022015). Collection method: clinical testing. Allele origin: germline.

Color Diagnostics, LLC DBA Color Health
Classification: Likely benign for Familial hypercholesterolemia. Last evaluated: 2019-08-14. Review status: criteria provided, single submitter. Criteria: ACMG Guidelines, 2015. Collection method: clinical testing. Allele origin: germline.